The following is an entry in ClinVar:

NM_018451.5(CPAP):c.419A>C (p.Asp140Ala)

Gene: CPAP (centrosome assembly and centriole elongation protein; minus strand). Cytogenetic location: 13q12.13.
Variant type: single nucleotide variant.
Coding change: c.419A>C on transcript NM_018451.5 (MANE Select); coding-DNA position 419, A replaced by C.
Protein change: p.Asp140Ala; replaces aspartic acid 140 with alanine.
Molecular consequence: missense variant. On other transcripts: non-coding transcript variant (2).
Genome position (GRCh38, 1-based): chr13:24,912,607, T>G on the plus strand (A>C on the coding strand, the complement: CPAP is on the minus strand). VCF-style: chr13-24912607-T-G. GRCh37 (hg19) VCF-style: chr13-25486745-T-G.
Other names: short protein forms D140A.
Identifiers: ClinVar variation 311632 (VCV000311632.8), dbSNP rs201531824, ClinGen allele CA10643151.
Genomic context (GRCh38, chr13:24,912,607, plus strand): 5'-GACATAAATTCACAGTAGGCCAAATCCTATTGTACCTGTTCAAGTTTTTTAAAAAGTGGG[T>G]CTTTATAAGCCCCTTCTTTGAATTCACTCGCAAGATCTGGGATGAAGTCATTTTTGTTTT-3'
Protein context (NP_060921.3, residues 130-150): ASEFKEGAYK[Asp140Ala]PLFKKLEQLK

ClinVar aggregate classification (germline): Uncertain significance. Review status: criteria provided, multiple submitters, no conflicts (2 of 4 stars). 2 submissions from 2 submitters: Uncertain significance (2). Last evaluated 2021-10-09.

Conditions:
Microcephaly 6, primary, autosomal recessive. Identifiers: Orphanet 2512, MedGen C1842109, MONDO:0012029, OMIM 608393.

Allele frequency attached by ClinVar (database versions not stated): gnomAD exomes below 0.00001 and 0.00001; gnomAD 0.00001; TOPMed 0.00002; 1000 Genomes Project 30x 0.00016; 1000 Genomes Project 0.00060.
gnomAD v4.1: 19 of 1,613,668 alleles (0.0012%); highest among the groups gnomAD compares: Non-Finnish European, 0.0015%; no homozygotes.

Submissions (2):

Labcorp Genetics (formerly Invitae), Labcorp
Classification: Uncertain significance. Last evaluated: 2021-10-09. Review status: criteria provided, single submitter. Criteria: Invitae Variant Classification Sherloc (09022015). Collection method: clinical testing. Allele origin: germline.
Comment: This sequence change replaces aspartic acid with alanine at codon 140 of the CENPJ protein (p.Asp140Ala). The aspartic acid residue is weakly conserved and there is a moderate physicochemical difference between aspartic acid and alanine. This variant is not present in population databases (ExAC no frequency). This variant has not been reported in the literature in individuals affected with CENPJ-related conditions. ClinVar contains an entry for this variant (Variation ID: 311632). Algorithms developed to predict the effect of missense changes on protein structure and function are either unavailable or do not agree on the potential impact of this missense change (SIFT: "Tolerated"; PolyPhen-2: "Probably Damaging"; Align-GVGD: "Class C0"). In summary, the available evidence is currently insufficient to determine the role of this variant in disease. Therefore, it has been classified as a Variant of Uncertain Significance.

Baylor Genetics
Classification: Uncertain significance for Microcephaly 6, primary, autosomal recessive. Last evaluated: 2018-08-09. Review status: criteria provided, single submitter. Criteria: ACMG Guidelines, 2015. Collection method: clinical testing. Allele origin: paternal. Affected: yes.
Comment: This variant was determined to be of uncertain significance according to ACMG Guidelines, 2015 [PMID:25741868].